The following is an entry in ClinVar:

NM_000143.4(FH):c.11C>A (p.Ala4Glu)

Gene: FH (fumarate hydratase; minus strand). Cytogenetic location: 1q43.
Variant type: single nucleotide variant.
Coding change: c.11C>A on transcript NM_000143.4 (MANE Select); coding-DNA position 11, C replaced by A.
Protein change: p.Ala4Glu; replaces alanine 4 with glutamic acid.
Molecular consequence: missense variant.
Genome position (GRCh38, 1-based): chr1:241,519,712, G>T on the plus strand (C>A on the coding strand, the complement: FH is on the minus strand). VCF-style: chr1-241519712-G-T. GRCh37 (hg19) VCF-style: chr1-241683012-G-T.
Other names: short protein forms A4E.
Identifiers: ClinVar variation 962816 (VCV000962816.14), dbSNP rs1252151546, ClinGen allele CA345443095.

ClinVar aggregate classification (germline): Uncertain significance. Review status: criteria provided, multiple submitters, no conflicts (2 of 4 stars). 3 submissions from 3 submitters: Uncertain significance (3). Last evaluated 2025-08-21.

Conditions:
Hereditary cancer-predisposing syndrome. Also called: Tumor predisposition; Hereditary neoplastic syndrome; Hereditary Cancer Syndrome; Neoplastic Syndromes, Hereditary. Identifiers: Orphanet 140162, MedGen C0027672, MeSH D009386, MONDO:0015356.

gnomAD v4.1: 2 of 1,546,918 alleles (0.00013%); highest among the groups gnomAD compares: African/African-American, 0.0027%; no homozygotes.

Submissions (3):

Quest Diagnostics Nichols Institute San Juan Capistrano
Classification: Uncertain significance. Last evaluated: 2025-08-21. Review status: criteria provided, single submitter. Criteria: Quest Diagnostics criteria. Collection method: clinical testing. Allele origin: unknown.
Comment: The FH c.11C>A (p.Ala4Glu) variant has not been reported in individuals with FH-related conditions in the published literature. This variant has not been reported in large, multi-ethnic general populations (Genome Aggregation Database). Analysis of this variant using bioinformatics tools for the prediction of the effect of amino acid changes on protein structure and function yielded predictions that this variant is benign. Based on the available information, we are unable to determine the clinical significance of this variant.

Ambry Genetics
Classification: Uncertain significance for Hereditary cancer-predisposing syndrome. Last evaluated: 2024-04-27. Review status: criteria provided, single submitter. Criteria: Ambry Variant Classification Scheme 2023. Collection method: clinical testing. Allele origin: germline.
Comment: The p.A4E variant (also known as c.11C>A), located in coding exon 1 of the FH gene, results from a C to A substitution at nucleotide position 11. The alanine at codon 4 is replaced by glutamic acid, an amino acid with dissimilar properties. This amino acid position is not well conserved in available vertebrate species. In addition, the in silico prediction for this alteration is inconclusive. Since supporting evidence is limited at this time, the clinical significance of this alteration remains unclear.

Labcorp Genetics (formerly Invitae), Labcorp
Classification: Uncertain significance. Last evaluated: 2023-11-25. Review status: criteria provided, single submitter. Criteria: Invitae Variant Classification Sherloc (09022015). Collection method: clinical testing. Allele origin: germline.
Comment: This sequence change replaces alanine, which is neutral and non-polar, with glutamic acid, which is acidic and polar, at codon 4 of the FH protein (p.Ala4Glu). This variant is not present in population databases (gnomAD no frequency). This variant has not been reported in the literature in individuals affected with FH-related conditions. ClinVar contains an entry for this variant (Variation ID: 962816). Advanced modeling of protein sequence and biophysical properties (such as structural, functional, and spatial information, amino acid conservation, physicochemical variation, residue mobility, and thermodynamic stability) performed at Invitae indicates that this missense variant is not expected to disrupt FH protein function with a negative predictive value of 95%. In summary, the available evidence is currently insufficient to determine the role of this variant in disease. Therefore, it has been classified as a Variant of Uncertain Significance.